The following is an entry in ClinVar:

ClinVar aggregate classification (germline): Uncertain significance (1 of 4 stars; one submission).

Conditions:
Inflammatory bowel disease 25. Also called: Inflammatory bowel disease 25, early onset, autosomal recessive. Identifiers: Orphanet 238569, MedGen C2675508, MONDO:0012941, OMIM 612567.

Submission:

Labcorp Genetics (formerly Invitae), Labcorp
Classification: Uncertain significance for Inflammatory bowel disease 25. Last evaluated: 2018-10-16. Review status: criteria provided, single submitter. Criteria: Invitae Variant Classification Sherloc (09022015). Collection method: clinical testing. Allele origin: germline.
Comment: In summary, the available evidence is currently insufficient to determine the role of this variant in disease. Therefore, it has been classified as a Variant of Uncertain Significance. Algorithms developed to predict the effect of missense changes on protein structure and function (SIFT, PolyPhen-2, Align-GVGD) all suggest that this variant is likely to be tolerated, but these predictions have not been confirmed by published functional studies and their clinical significance is uncertain. This variant has not been reported in the literature in individuals with IL10RB-related disease. This variant is not present in population databases (ExAC no frequency). This sequence change replaces leucine with isoleucine at codon 239 of the IL10RB protein (p.Leu239Ile). The leucine residue is highly conserved and there is a small physicochemical difference between leucine and isoleucine.

NM_000628.5(IL10RB):c.715C>A (p.Leu239Ile)

Genes: IFNAR2-IL10RB (IFNAR2-IL10RB readthrough; plus strand), IL10RB (interleukin 10 receptor subunit beta; plus strand). Cytogenetic location: 21q22.11.
Variant type: single nucleotide variant.
Coding change: c.715C>A on transcript NM_000628.5 (MANE Select); coding-DNA position 715, C replaced by A.
Protein change: p.Leu239Ile; replaces leucine 239 with isoleucine.
Molecular consequence: missense variant.
Genome position (GRCh38, 1-based): chr21:33,288,172, C>A. VCF-style: chr21-33288172-C-A. GRCh37 (hg19) VCF-style: chr21-34660477-C-A.
Other names: short protein forms L239I.
Identifiers: ClinVar variation 641708 (VCV000641708.9), dbSNP rs1601835501, ClinGen allele CA410111484.